The following is an entry in ClinVar:

ClinVar aggregate classification (germline): Pathogenic/Likely pathogenic. Review status: criteria provided, multiple submitters, no conflicts (2 of 4 stars). 2 submissions from 2 submitters: Pathogenic (1); Likely pathogenic (1). Last evaluated 2026-02-26.

Conditions:
LHX2-related disorder. Also called: LHX2-related condition.

Submissions (2):

PreventionGenetics, part of Exact Sciences
Classification: Likely pathogenic for LHX2-related condition. Last evaluated: 2026-02-26. Review status: criteria provided, single submitter. Criteria: ACMG Guidelines, 2015. Collection method: clinical testing. Allele origin: germline.
Comment: The LHX2 c.750delC variant is predicted to result in a frameshift and premature protein termination (p.Asp250Glufs*32). This variant has not been reported in the literature or in a large population database (gnomAD), indicating this variant is rare. Frameshift variants in LHX2 are expected to be pathogenic. This variant is interpreted as likely pathogenic.

Labcorp Genetics (formerly Invitae), Labcorp
Classification: Pathogenic. Last evaluated: 2024-02-28. Review status: criteria provided, single submitter. Criteria: Invitae Variant Classification Sherloc (09022015). Collection method: clinical testing. Allele origin: germline.
Comment: This sequence change creates a premature translational stop signal (p.Asp250Glufs*32) in the LHX2 gene. It is expected to result in an absent or disrupted protein product. Loss-of-function variants in LHX2 are known to be pathogenic (PMID: 37057675). This variant is not present in population databases (gnomAD no frequency). This variant has not been reported in the literature in individuals affected with LHX2-related conditions. For these reasons, this variant has been classified as Pathogenic.

Literature cited by the submitters: PubMed 37057675 (cited by Labcorp Genetics (formerly Invitae), Labcorp).

NM_004789.4(LHX2):c.750del (p.Asp250fs)

Gene: LHX2 (LIM homeobox 2; plus strand). Cytogenetic location: 9q33.3.
Variant type: Deletion.
Coding change: c.750del on transcript NM_004789.4 (MANE Select); coding-DNA position 750, one base deleted (C; older notation c.750delC).
Protein change: p.Asp250fs; shifts the reading frame from aspartic acid 250.
Molecular consequence: frameshift variant.
Genome position (GRCh38, 1-based): chr9:124,021,121, C deleted. VCF-style (leftmost placement, unchanged base first): chr9-124021120-AC-A. GRCh37 (hg19) VCF-style: chr9-126783399-AC-A.
Other names: c.750delC (NM_004789.3); short protein forms D250fs.
Identifiers: ClinVar variation 3686831 (VCV003686831.3).